The following is an entry in ClinVar:

ClinVar aggregate classification (germline): Uncertain significance (1 of 4 stars; one submission).

Conditions:
Severe combined immunodeficiency due to DNA-PKcs deficiency. Also called: IMMUNODEFICIENCY 26 WITH NEUROLOGIC ABNORMALITIES; Immunodeficiency 26 with or without neurologic abnormalities. Identifiers: Orphanet 317425, MedGen C4014833, MONDO:0014423, OMIM 615966.

gnomAD v4.1: 2 of 1,609,094 alleles (0.00012%); highest among the groups gnomAD compares: African/African-American, 0.0013%; no homozygotes.

Submission:

Labcorp Genetics (formerly Invitae), Labcorp
Classification: Uncertain significance for Severe combined immunodeficiency due to DNA-PKcs deficiency. Last evaluated: 2020-02-10. Review status: criteria provided, single submitter. Criteria: Invitae Variant Classification Sherloc (09022015). Collection method: clinical testing. Allele origin: germline.
Comment: This sequence change replaces glycine with valine at codon 1490 of the PRKDC protein (p.Gly1490Val). The glycine residue is moderately conserved and there is a moderate physicochemical difference between glycine and valine. This variant is not present in population databases (ExAC no frequency). This variant has not been reported in the literature in individuals with PRKDC-related conditions. Experimental studies and prediction algorithms are not available or were not evaluated, and the functional significance of this variant is currently unknown. In summary, the available evidence is currently insufficient to determine the role of this variant in disease. Therefore, it has been classified as a Variant of Uncertain Significance.

NM_006904.7(PRKDC):c.4469G>T (p.Gly1490Val)

Gene: PRKDC (protein kinase, DNA-activated, catalytic subunit; minus strand). Cytogenetic location: 8q11.21.
Variant type: single nucleotide variant.
Coding change: c.4469G>T on transcript NM_006904.7 (MANE Select); coding-DNA position 4469, G replaced by T.
Protein change: p.Gly1490Val; replaces glycine 1490 with valine.
Molecular consequence: missense variant.
Genome position (GRCh38, 1-based): chr8:47,887,650, C>A on the plus strand (G>T on the coding strand, the complement: PRKDC is on the minus strand). VCF-style: chr8-47887650-C-A. GRCh37 (hg19) VCF-style: chr8-48800211-C-A.
Other names: c.4469G>T, p.Gly1490Val (NM_001081640.2); short protein forms G1490V.
Identifiers: ClinVar variation 1026684 (VCV001026684.7), dbSNP rs1192667898, ClinGen allele CA371144027.